The following is an entry in ClinVar:

ClinVar aggregate classification (germline): Uncertain significance (1 of 4 stars; one submission).

Allele frequency attached by ClinVar (database versions not stated): gnomAD exomes 0.00002; ExAC 0.00003; TOPMed 0.00011; gnomAD 0.00013.
gnomAD v4.1: 45 of 1,614,016 alleles (0.0028%); highest among the groups gnomAD compares: Admixed American, 0.063%; no homozygotes.

Submissions (2):

Labcorp Genetics (formerly Invitae), Labcorp
Classification: Uncertain significance. Last evaluated: 2024-02-14. Review status: criteria provided, single submitter. Criteria: Invitae Variant Classification Sherloc (09022015). Collection method: clinical testing. Allele origin: germline.
Comment: This sequence change replaces threonine, which is neutral and polar, with methionine, which is neutral and non-polar, at codon 1620 of the FLNB protein (p.Thr1620Met). This variant is present in population databases (rs753946814, gnomAD 0.05%). This variant has not been reported in the literature in individuals affected with FLNB-related conditions. An algorithm developed to predict the effect of missense changes on protein structure and function (PolyPhen-2) suggests that this variant is likely to be disruptive. In summary, the available evidence is currently insufficient to determine the role of this variant in disease. Therefore, it has been classified as a Variant of Uncertain Significance.

Dr. Peter K. Rogan Lab, Western University
No classification provided (evidence only). Condition: Colorectal cancer. Review status: no classification provided. Collection method: in vitro. Allele origin: not applicable. Functional consequence: retained intron. Not counted in ClinVar's aggregate classification.

NM_001457.4(FLNB):c.4859C>T (p.Thr1620Met)

Gene: FLNB (filamin B; plus strand). Cytogenetic location: 3p14.3.
Variant type: single nucleotide variant.
Coding change: c.4859C>T on transcript NM_001457.4 (MANE Select); coding-DNA position 4859, C replaced by T.
Protein change: p.Thr1620Met; replaces threonine 1620 with methionine.
Molecular consequence: missense variant.
Genome position (GRCh38, 1-based): chr3:58,136,166, C>T. VCF-style: chr3-58136166-C-T. GRCh37 (hg19) VCF-style: chr3-58121893-C-T.
Other names: c.4952C>T, p.Thr1651Met (NM_001164317.2); c.4859C>T, p.Thr1620Met (NM_001164318.2, NM_001164319.2); short protein forms T1620M, T1651M.
Identifiers: ClinVar variation 2976386 (VCV002976386.4), dbSNP rs753946814, ClinGen allele CA2468877.